The following is an entry in ClinVar:

NM_152383.5(DIS3L2):c.507G>T (p.Gln169His)

Gene: DIS3L2 (DIS3 like 3'-5' exoribonuclease 2; plus strand). Cytogenetic location: 2q37.1.
Variant type: single nucleotide variant.
Coding change: c.507G>T on transcript NM_152383.5 (MANE Select); coding-DNA position 507, G replaced by T.
Protein change: p.Gln169His; replaces glutamine 169 with histidine.
Molecular consequence: missense variant. On other transcripts: non-coding transcript variant (2).
Genome position (GRCh38, 1-based): chr2:232,087,627, G>T. VCF-style: chr2-232087627-G-T. GRCh37 (hg19) VCF-style: chr2-232952337-G-T.
Other names: c.507G>T, p.Gln169His (NM_001257281.2, NM_001257282.2); short protein forms Q169H.
Identifiers: ClinVar variation 2015821 (VCV002015821.4), dbSNP rs1696703650, ClinGen allele CA351155129.

ClinVar aggregate classification (germline): Uncertain significance (1 of 4 stars; one submission).

Conditions:
Perlman syndrome (PRLMNS). Identifiers: Orphanet 2849, MedGen C0796113, MONDO:0009965, OMIM 267000.

Submission:

Labcorp Genetics (formerly Invitae), Labcorp
Classification: Uncertain significance for Perlman syndrome. Last evaluated: 2023-05-20. Review status: criteria provided, single submitter. Criteria: Invitae Variant Classification Sherloc (09022015). Collection method: clinical testing. Allele origin: germline.
Comment: This sequence change replaces glutamine, which is neutral and polar, with histidine, which is basic and polar, at codon 169 of the DIS3L2 protein (p.Gln169His). This variant is not present in population databases (gnomAD no frequency). This variant has not been reported in the literature in individuals affected with DIS3L2-related conditions. ClinVar contains an entry for this variant (Variation ID: 2015821). An algorithm developed to predict the effect of missense changes on protein structure and function (PolyPhen-2) suggests that this variant is likely to be tolerated. In summary, the available evidence is currently insufficient to determine the role of this variant in disease. Therefore, it has been classified as a Variant of Uncertain Significance.